The following is an entry in ClinVar:

ClinVar aggregate classification (germline): Conflicting classifications of pathogenicity. Review status: criteria provided, conflicting classifications (1 of 4 stars). 2 submissions from 2 submitters: Likely pathogenic (1); Uncertain significance (1). Last evaluated 2025-05-22.

Conditions:
Inborn error of immunity. Also called: Inborn errors of immunity; Primary immunodeficiency. Identifiers: Orphanet 101997, MedGen C0398686, MONDO:0003778.
Recombinase activating gene 2 deficiency. Also called: RAG2 deficiency. Identifiers: MedGen CN257931, MONDO:0000573.
Histiocytic medullary reticulosis. Also called: SEVERE COMBINED IMMUNODEFICIENCY WITH HYPEREOSINOPHILIA; Omenn syndrome. Identifiers: Orphanet 39041, MedGen C2700553, MONDO:0011338, OMIM 603554.

Submissions (2):

Natera, Inc.
Classification: Likely pathogenic for Omenn syndrome. Last evaluated: 2025-05-22. Review status: criteria provided, single submitter. Criteria: Natera Variant Classification Schema (03/2026). Collection method: clinical testing. Allele origin: germline.
Comment: The c.1442A>C variant in RAG2 is a missense variant predicted to cause substitution of histidine to proline at amino acid 481. This variant is rare in the general population with a frequency below the threshold expected for the associated phenotype(s). This variant has been observed in one or more individuals affected with the associated recessive disease, as either homozygous or compound heterozygous with a second variant (PMID: 12200379). Functional studies show that this variant may disrupt protein function (PMID: 15964836). Computational prediction algorithms indicate this variant is likely to affect gene or protein function. Given the available evidence, this variant is classified as Likely Pathogenic.

Pediatric Immunology Service, The Chaim Sheba Medical Center at Tel HaShomer
Classification: Uncertain significance for RAG2 deficiency; Primary immunodeficiency. Last evaluated: 2018-03-06. Review status: criteria provided, single submitter. Criteria: ACMG Guidelines, 2015. Collection method: research. Allele origin: germline. Affected: yes.

Literature cited by the submitters: PubMed 12200379 (cited by Natera, Inc.); PubMed 15964836 (cited by Natera, Inc.).

NM_000536.4(RAG2):c.1442A>C (p.His481Pro)

Gene: RAG2 (recombination activating 2; minus strand). Cytogenetic location: 11p12.
Variant type: single nucleotide variant.
Coding change: c.1442A>C on transcript NM_000536.4 (MANE Select); coding-DNA position 1442, A replaced by C.
Protein change: p.His481Pro; replaces histidine 481 with proline.
Molecular consequence: missense variant.
Genome position (GRCh38, 1-based): chr11:36,592,727, T>G on the plus strand (A>C on the coding strand, the complement: RAG2 is on the minus strand). VCF-style: chr11-36592727-T-G. GRCh37 (hg19) VCF-style: chr11-36614277-T-G.
Other names: c.1442A>C, p.His481Pro (NM_001243785.2, NM_001243786.2); short protein forms H481P.
Identifiers: ClinVar variation 496634 (VCV000496634.3), dbSNP rs1564995465, ClinGen allele CA380140350.